The following is an entry in ClinVar:

NM_015386.3(COG4):c.1072C>A (p.Pro358Thr)

Gene: COG4 (component of oligomeric golgi complex 4; minus strand). Cytogenetic location: 16q22.1.
Variant type: single nucleotide variant.
Coding change: c.1072C>A on transcript NM_015386.3 (MANE Select); coding-DNA position 1072, C replaced by A.
Protein change: p.Pro358Thr; replaces proline 358 with threonine.
Molecular consequence: missense variant. On other transcripts: non-coding transcript variant (1).
Genome position (GRCh38, 1-based): chr16:70,501,081, G>T on the plus strand (C>A on the coding strand, the complement: COG4 is on the minus strand). VCF-style: chr16-70501081-G-T. GRCh37 (hg19) VCF-style: chr16-70534984-G-T.
Other names: c.1060C>A, p.Pro354Thr (NM_001195139.2); c.646C>A, p.Pro216Thr (NM_001365426.1); short protein forms P216T, P354T, P358T.
Identifiers: ClinVar variation 761055 (VCV000761055.11), dbSNP rs573621071, ClinGen allele CA8144445.

ClinVar aggregate classification (germline): Conflicting classifications of pathogenicity. Review status: criteria provided, conflicting classifications (1 of 4 stars). 3 submissions from 3 submitters: Uncertain significance (1); Likely benign (2). Last evaluated 2024-10-12.

Conditions:
Inborn genetic diseases. Identifiers: MedGen C0950123, MeSH D030342.
COG4-congenital disorder of glycosylation. Also called: CONGENITAL DISORDER OF GLYCOSYLATION, TYPE IIj; CDG IIj; COG4-CDG. Identifiers: Orphanet 263501, MedGen C4303552, MONDO:0013281, OMIM 613489.

Allele frequency attached by ClinVar (database versions not stated): gnomAD 0.00002 and 0.00009; TOPMed 0.00004; gnomAD exomes 0.00017 and 0.00034; 1000 Genomes Project 30x 0.00047; ExAC 0.00047; 1000 Genomes Project 0.00060.
gnomAD v4.1: 272 of 1,613,402 alleles (0.017%); highest among the groups gnomAD compares: South Asian, 0.27%; 4 homozygotes.

Submissions (3):

Labcorp Genetics (formerly Invitae), Labcorp
Classification: Likely benign for COG4-congenital disorder of glycosylation. Last evaluated: 2024-10-12. Review status: criteria provided, single submitter. Criteria: Invitae Variant Classification Sherloc (09022015). Collection method: clinical testing. Allele origin: germline.

Ambry Genetics
Classification: Likely benign for Inborn genetic diseases. Last evaluated: 2024-05-30. Review status: criteria provided, single submitter. Criteria: Ambry Variant Classification Scheme 2023. Collection method: clinical testing. Allele origin: germline.

GeneDx
Classification: Uncertain significance. Last evaluated: 2024-02-09. Review status: criteria provided, single submitter. Criteria: GeneDx Variant Classification Process June 2021. Collection method: clinical testing. Allele origin: germline. Affected: yes.
Comment: In silico analysis supports that this missense variant does not alter protein structure/function; Has not been previously published as pathogenic or benign to our knowledge